The following is an entry in ClinVar:

ClinVar aggregate classification (germline): Likely benign. Review status: criteria provided, multiple submitters, no conflicts (2 of 4 stars). 2 submissions from 2 submitters: Likely benign (2). Last evaluated 2026-01-30.

Conditions:
PKHD1-related disorder. Also called: PKHD1-related condition.
Autosomal recessive polycystic kidney disease (ARPKD). Also called: AR polycystic kidney disease. Identifiers: Orphanet 731, Orphanet 8378, MedGen C0085548, MeSH D017044, MONDO:0009889.

Submissions (2):

PreventionGenetics, part of Exact Sciences
Classification: Likely benign for PKHD1-related condition. Last evaluated: 2026-01-30. Review status: criteria provided, single submitter. Criteria: ACMG Guidelines, 2015. Collection method: clinical testing. Allele origin: germline.
Comment: This variant is classified as likely benign based on ACMG/AMP sequence variant interpretation guidelines (Richards et al. 2015 PMID: 25741868, with internal and published modifications).

Labcorp Genetics (formerly Invitae), Labcorp
Classification: Likely benign for Autosomal recessive polycystic kidney disease. Last evaluated: 2023-11-02. Review status: criteria provided, single submitter. Criteria: Invitae Variant Classification Sherloc (09022015). Collection method: clinical testing. Allele origin: germline.

NM_138694.4(PKHD1):c.8790G>T (p.Arg2930=)

Gene: PKHD1 (PKHD1 ciliary IPT domain containing fibrocystin/polyductin; minus strand). Cytogenetic location: 6p12.3.
Variant type: single nucleotide variant.
Coding change: c.8790G>T on transcript NM_138694.4 (MANE Select); coding-DNA position 8790, G replaced by T.
Protein change: p.Arg2930=; no amino-acid change (arginine 2930 retained).
Molecular consequence: synonymous variant.
Genome position (GRCh38, 1-based): chr6:51,754,791, C>A on the plus strand (G>T on the coding strand, the complement: PKHD1 is on the minus strand). VCF-style: chr6-51754791-C-A. GRCh37 (hg19) VCF-style: chr6-51619589-C-A.
Other names: c.8790G>T (NM_138694.3); c.8790G>T, p.Arg2930= (NM_170724.3).
Identifiers: ClinVar variation 2692762 (VCV002692762.4), dbSNP rs2151020206, ClinGen allele CA450412918.